The following is an entry in ClinVar:

NM_005908.4(MANBA):c.1382C>T (p.Ala461Val)

Gene: MANBA (mannosidase beta; minus strand). Cytogenetic location: 4q24.
Variant type: single nucleotide variant.
Coding change: c.1382C>T on transcript NM_005908.4 (MANE Select); coding-DNA position 1382, C replaced by T.
Protein change: p.Ala461Val; replaces alanine 461 with valine.
Molecular consequence: missense variant.
Genome position (GRCh38, 1-based): chr4:102,664,788, G>A on the plus strand (C>T on the coding strand, the complement: MANBA is on the minus strand). VCF-style: chr4-102664788-G-A. GRCh37 (hg19) VCF-style: chr4-103585945-G-A.
Other names: short protein forms A461V.
Identifiers: ClinVar variation 1028958 (VCV001028958.3), dbSNP rs775701916, ClinGen allele CA3026921.
Genomic context (GRCh38, chr4:102,664,788, plus strand): 5'-TAGTCCTTGATGTAGATTGGCCGGTCAGTGAAACTGATATGATACCAATTCATCATCAGC[G>A]CCTCCTCATTTTCATTATTGCCACTCCATATGATGATAGAAGGATGAGATTTCAGTCTCT-3'
Protein context (NP_005899.3, residues 451-471): IWSGNNENEE[Ala461Val]LMMNWYHISF

ClinVar aggregate classification (germline): Uncertain significance. Review status: criteria provided, multiple submitters, no conflicts (2 of 4 stars). 2 submissions from 2 submitters: Uncertain significance (2). Last evaluated 2023-11-02.

Conditions:
Beta-D-mannosidosis (MANSB). Also called: Beta-Mannosidosis; MANNOSIDOSIS, BETA A, LYSOSOMAL; BETA-MANNOSIDASE DEFICIENCY; LYSOSOMAL BETA-MANNOSIDASE DEFICIENCY. Identifiers: Orphanet 118, MedGen C4048196, MONDO:0009562, OMIM 248510.

Allele frequency attached by ClinVar (database versions not stated): TOPMed 0.00001; gnomAD 0.00001; ExAC 0.00002.
gnomAD v4.1: 20 of 1,609,440 alleles (0.0012%); highest among the groups gnomAD compares: East Asian, 0.0067%; no homozygotes.

Submissions (2):

Revvity Omics, Revvity
Classification: Uncertain significance for Beta-D-mannosidosis. Last evaluated: 2023-11-02. Review status: criteria provided, single submitter. Criteria: ACMG Guidelines, 2015. Collection method: clinical testing. Allele origin: germline.

Baylor Genetics
Classification: Uncertain significance for Beta-D-mannosidosis. Last evaluated: 2019-05-04. Review status: criteria provided, single submitter. Criteria: ACMG Guidelines, 2015. Collection method: clinical testing. Allele origin: paternal. Affected: yes.
Comment: This variant was determined to be of uncertain significance according to ACMG Guidelines, 2015 [PMID:25741868].